The following is an entry in ClinVar:

NM_001376.5(DYNC1H1):c.13265A>C (p.Lys4422Thr)

Gene: DYNC1H1 (dynein cytoplasmic 1 heavy chain 1; plus strand). Cytogenetic location: 14q32.31.
Variant type: single nucleotide variant.
Coding change: c.13265A>C on transcript NM_001376.5 (MANE Select); coding-DNA position 13265, A replaced by C.
Protein change: p.Lys4422Thr; replaces lysine 4422 with threonine.
Molecular consequence: missense variant.
Genome position (GRCh38, 1-based): chr14:102,048,562, A>C. VCF-style: chr14-102048562-A-C. GRCh37 (hg19) VCF-style: chr14-102514899-A-C.
Other names: short protein forms K4422T.
Identifiers: ClinVar variation 1002335 (VCV001002335.10), dbSNP rs1463058227, ClinGen allele CA391048007.

ClinVar aggregate classification (germline): Conflicting classifications of pathogenicity. Review status: criteria provided, conflicting classifications (1 of 4 stars). 2 submissions from 2 submitters: Uncertain significance (1); Likely benign (1). Last evaluated 2022-08-16.

Conditions:
Inborn genetic diseases. Identifiers: MedGen C0950123, MeSH D030342.
Charcot-Marie-Tooth disease axonal type 2O. Also called: CHARCOT-MARIE-TOOTH NEUROPATHY, AXONAL, TYPE 2O; CHARCOT-MARIE-TOOTH DISEASE, AXONAL, AUTOSOMAL DOMINANT, TYPE 2O; Charcot-Marie-Tooth disease, axonal, type 20; Charcot-Marie-Tooth Neuropathy Type 2O. Identifiers: Orphanet 284232, MedGen C3280220, MONDO:0013644, OMIM 614228.

Allele frequency attached by ClinVar (database versions not stated): gnomAD exomes below 0.00001.
gnomAD v4.1: 6 of 1,614,222 alleles (0.00037%); highest among the groups gnomAD compares: Non-Finnish European, 0.00051%; no homozygotes.

Submissions (2):

Labcorp Genetics (formerly Invitae), Labcorp
Classification: Likely benign for Charcot-Marie-Tooth disease axonal type 2O. Last evaluated: 2022-08-16. Review status: criteria provided, single submitter. Criteria: Invitae Variant Classification Sherloc (09022015). Collection method: clinical testing. Allele origin: germline.

Ambry Genetics
Classification: Uncertain significance for Inborn genetic diseases. Last evaluated: 2021-04-29. Review status: criteria provided, single submitter. Criteria: Ambry Variant Classification Scheme 2023. Collection method: clinical testing. Allele origin: germline.
Comment: The p.K4422T variant (also known as c.13265A>C), located in coding exon 74 of the DYNC1H1 gene, results from an A to C substitution at nucleotide position 13265. The lysine at codon 4422 is replaced by threonine, an amino acid with similar properties. This amino acid position is well conserved in available vertebrate species. In addition, this alteration is predicted to be tolerated by in silico analysis. Since supporting evidence is limited at this time, the clinical significance of this alteration remains unclear.